The following is an entry in ClinVar:

ClinVar aggregate classification (germline): Conflicting classifications of pathogenicity. Review status: criteria provided, conflicting classifications (1 of 4 stars). 2 submissions from 2 submitters: Uncertain significance (1); Likely benign (1). Last evaluated 2025-08-24.

Conditions:
Hereditary cancer-predisposing syndrome. Also called: Neoplastic Syndromes, Hereditary; Hereditary neoplastic syndrome; Hereditary Cancer Syndrome; Tumor predisposition. Identifiers: Orphanet 140162, MedGen C0027672, MeSH D009386, MONDO:0015356.
Gorlin syndrome. Also called: Nevoid Basal Cell Carcinoma Syndrome; Basal cell nevus syndrome. Identifiers: Orphanet 377, MedGen C0004779, MONDO:0007187.

Allele frequency attached by ClinVar (database versions not stated): gnomAD 0.00001; TOPMed 0.00001; gnomAD exomes below 0.00001.

Submissions (2):

Labcorp Genetics (formerly Invitae), Labcorp
Classification: Likely benign for Gorlin syndrome. Last evaluated: 2025-08-24. Review status: criteria provided, single submitter. Criteria: Invitae Variant Classification Sherloc (09022015). Collection method: clinical testing. Allele origin: germline.

Ambry Genetics
Classification: Uncertain significance for Hereditary cancer-predisposing syndrome. Last evaluated: 2025-08-05. Review status: criteria provided, single submitter. Criteria: Ambry Variant Classification Scheme 2023. Collection method: clinical testing. Allele origin: germline.
Comment: The p.S181L variant (also known as c.542C>T), located in coding exon 3 of the PTCH1 gene, results from a C to T substitution at nucleotide position 542. The serine at codon 181 is replaced by leucine, an amino acid with dissimilar properties. This amino acid position is conserved. In addition, this alteration is predicted to be deleterious by in silico analysis. Since supporting evidence is limited at this time, the clinical significance of this alteration remains unclear.

NM_000264.5(PTCH1):c.542C>T (p.Ser181Leu)

Gene: PTCH1 (patched 1; minus strand). Cytogenetic location: 9q22.32.
Variant type: single nucleotide variant.
Coding change: c.542C>T on transcript NM_000264.5 (MANE Select); coding-DNA position 542, C replaced by T.
Protein change: p.Ser181Leu; replaces serine 181 with leucine.
Molecular consequence: missense variant. On other transcripts: non-coding transcript variant (1).
Genome position (GRCh38, 1-based): chr9:95,485,727, G>A on the plus strand (C>T on the coding strand, the complement: PTCH1 is on the minus strand). VCF-style: chr9-95485727-G-A. GRCh37 (hg19) VCF-style: chr9-98248009-G-A.
Other names: c.542C>T (NM_000264.3); c.344C>T, p.Ser115Leu (NM_001083602.3, NM_001354919.2); c.539C>T, p.Ser180Leu (NM_001083603.3); c.89C>T, p.Ser30Leu (NM_001083604.3, NM_001083605.3, NM_001083606.3 and 1 more transcripts); c.542C>T, p.Ser181Leu (NM_001354918.2); short protein forms S181L, S30L, S115L, S180L.
Identifiers: ClinVar variation 1407926 (VCV001407926.9), dbSNP rs868350953, ClinGen allele CA196536890.